The following is an entry in ClinVar:

NM_000273.3(GPR143):c.346T>G (p.Cys116Gly)

Gene: GPR143 (G protein-coupled receptor 143; minus strand). Cytogenetic location: Xp22.2.
Variant type: single nucleotide variant.
Coding change: c.346T>G on transcript NM_000273.3 (MANE Select); coding-DNA position 346, T replaced by G.
Protein change: p.Cys116Gly; replaces cysteine 116 with glycine.
Molecular consequence: missense variant.
Genome position (GRCh38, 1-based): chrX:9,760,731, A>C on the plus strand (T>G on the coding strand, the complement: GPR143 is on the minus strand). VCF-style: chrX-9760731-A-C. GRCh37 (hg19) VCF-style: chrX-9728771-A-C.
Other names: short protein forms C116G.
Identifiers: ClinVar variation 1184536 (VCV001184536.10), dbSNP rs62635030, ClinGen allele CA411999054.

ClinVar aggregate classification (germline): Pathogenic. Review status: criteria provided, single submitter (1 of 4 stars). 2 submissions from 2 submitters: Pathogenic (1). 1 of the submissions does not count toward it. Last evaluated 2025-07-14.

Conditions:
Ocular albinism, type I (OA1). Also called: Ocular albinism, type I, Nettleship-Falls type; X-linked recessive ocular albinism; Ocular Albinism type 1; NETTLESHIP-FALLS TYPE OCULAR ALBINISM. Identifiers: Orphanet 54, MedGen C0342684, MONDO:0021019, OMIM 300500.

Submissions (2):

Labcorp Genetics (formerly Invitae), Labcorp
Classification: Pathogenic. Last evaluated: 2025-07-14. Review status: criteria provided, single submitter. Criteria: Invitae Variant Classification Sherloc (09022015). Collection method: clinical testing. Allele origin: germline.
Comment: This sequence change replaces cysteine, which is neutral and slightly polar, with glycine, which is neutral and non-polar, at codon 116 of the GPR143 protein (p.Cys116Gly). This variant is not present in population databases (gnomAD no frequency). This missense change has been observed in individuals with ocular albinism (PMID: 17960122; internal data). It has also been observed to segregate with disease in related individuals. ClinVar contains an entry for this variant (Variation ID: 1184536). Invitae Evidence Modeling of protein sequence and biophysical properties (such as structural, functional, and spatial information, amino acid conservation, physicochemical variation, residue mobility, and thermodynamic stability) indicates that this missense variant is expected to disrupt GPR143 protein function with a positive predictive value of 95%. This variant disrupts the p.Cys116 amino acid residue in GPR143. Other variant(s) that disrupt this residue have been observed in individuals with GPR143-related conditions (PMID: 9529334, 11214907, 16646960), which suggests that this may be a clinically significant amino acid residue. For these reasons, this variant has been classified as Pathogenic.

Genomics England Pilot Project, Genomics England
Classification: Likely pathogenic for Ocular albinism, type I. Review status: no assertion criteria provided. Criteria: ACGS Guidelines, 2016. Collection method: clinical testing. Allele origin: germline. Affected: yes. Not counted in ClinVar's aggregate classification.

Literature cited by the submitters: PubMed 17960122 (cited by Labcorp Genetics (formerly Invitae), Labcorp); PubMed 9529334 (cited by Labcorp Genetics (formerly Invitae), Labcorp); PubMed 11214907 (cited by Labcorp Genetics (formerly Invitae), Labcorp); PubMed 16646960 (cited by Labcorp Genetics (formerly Invitae), Labcorp).